The following is an entry in ClinVar:

NM_000059.4(BRCA2):c.501A>C (p.Thr167=)

Gene: BRCA2 (BRCA2 DNA repair associated; plus strand). Cytogenetic location: 13q13.1.
Variant type: single nucleotide variant.
Coding change: c.501A>C on transcript NM_000059.4 (MANE Select); coding-DNA position 501, A replaced by C.
Protein change: p.Thr167=; no amino-acid change (threonine 167 retained).
Molecular consequence: synonymous variant.
Genome position (GRCh38, 1-based): chr13:32,326,267, A>C. VCF-style: chr13-32326267-A-C. GRCh37 (hg19) VCF-style: chr13-32900404-A-C.
Identifiers: ClinVar variation 427437 (VCV000427437.22), dbSNP rs750805758, ClinGen allele CA6940381.
Genomic context (GRCh38, chr13:32,326,267, plus strand): 5'-AAAACTTAACAATTTTCCCCTTTTTTTACCCCCAGTGGTATGTGGGAGTTTGTTTCATAC[A>C]CCAAAGTTTGTGAAGGTAAATATTCTACCTGGTTTATTTTTATGACTTAGTAATTGAGAA-3'
Protein context (NP_000050.3, residues 157-177): KSVVCGSLFH[Thr167=]PKFVKGRQTP

ClinVar aggregate classification (germline): Likely benign. Review status: reviewed by expert panel (3 of 4 stars). 8 submissions from 8 submitters: Likely benign (1). 7 of the submissions do not count toward it. Last evaluated 2017-06-29.

Conditions:
BRCA2-related cancer predisposition. Identifiers: MedGen CN377758, MONDO:0700269.
Hereditary cancer-predisposing syndrome. Also called: Hereditary neoplastic syndrome; Hereditary Cancer Syndrome; Neoplastic Syndromes, Hereditary; Tumor predisposition. Identifiers: Orphanet 140162, MedGen C0027672, MeSH D009386, MONDO:0015356.
Breast-ovarian cancer, familial, susceptibility to, 2 (BROVCA2). Also called: BRCA2 Hereditary Breast and Ovarian Cancer. Identifiers: Orphanet 145, MedGen C2675520, MONDO:0012933, OMIM 612555. Disease mechanism: loss of function.
Hereditary breast ovarian cancer syndrome. Also called: Hereditary breast and ovarian cancer syndrome; BRCA1- and BRCA2-Associated Hereditary Breast and Ovarian Cancer; Hereditary breast and/or ovarian cancer syndrome; Hereditary breast and ovarian cancer; Breast and ovarian cancer; Hereditary breast and ovarian cancer syndrome (HBOC). Identifiers: Orphanet 145, MedGen C0677776, MeSH D061325, MONDO:0003582. Disease mechanism: loss of function.

Allele frequency attached by ClinVar (database versions not stated): ExAC 0.00002; gnomAD exomes 0.00001.
gnomAD v4.1: 2 of 1,613,482 alleles (0.00012%); highest among the groups gnomAD compares: South Asian, 0.0022%; no homozygotes.

Submissions (8):

Evidence-based Network for the Interpretation of Germline Mutant Alleles (ENIGMA)
Classification: Likely benign for Breast-ovarian cancer, familial, susceptibility to, 2. Last evaluated: 2017-06-29. Review status: reviewed by expert panel. Criteria: ENIGMA BRCA1/2 Classification Criteria (2017-06-29). Collection method: curation. Allele origin: germline.
Comment: Synonymous substitution variant, with low bioinformatic likelihood to result in a splicing aberration (Splicing prior probability 0.02).

Quest Diagnostics Nichols Institute San Juan Capistrano
Classification: Likely benign. Last evaluated: 2025-11-09. Review status: criteria provided, single submitter. Criteria: Quest Diagnostics criteria. Collection method: clinical testing. Allele origin: unknown. Not counted in ClinVar's aggregate classification.

Labcorp Genetics (formerly Invitae), Labcorp
Classification: Likely benign for Hereditary breast ovarian cancer syndrome. Last evaluated: 2024-07-10. Review status: criteria provided, single submitter. Criteria: Invitae Variant Classification Sherloc (09022015). Collection method: clinical testing. Allele origin: germline. Not counted in ClinVar's aggregate classification.

All of Us Research Program, National Institutes of Health
Classification: Likely benign for Breast-ovarian cancer, familial, susceptibility to, 2. Last evaluated: 2023-08-15. Review status: criteria provided, single submitter. Criteria: ACMG Guidelines, 2015. Collection method: clinical testing. Allele origin: germline. Inheritance: Autosomal dominant inheritance. Observed: 1 variant allele, 1 heterozygote. Not counted in ClinVar's aggregate classification.
Comment: This study involves interpretation of variants in research participants for the purpose of population health screening. Participant phenotype was not available at the time of variant classification. Additional details can be found in publication PMID: 35346344, PMCID: PMC8962531

Color Diagnostics, LLC DBA Color Health
Classification: Likely benign for Hereditary cancer-predisposing syndrome. Last evaluated: 2023-06-15. Review status: criteria provided, single submitter. Criteria: ACMG Guidelines, 2015. Collection method: clinical testing. Allele origin: germline. Not counted in ClinVar's aggregate classification.

Department of Pathology and Laboratory Medicine, Sinai Health System
Classification: Likely benign for BRCA2-related cancer predisposition. Last evaluated: 2021-07-28. Review status: criteria provided, single submitter. Criteria: ACMG Guidelines, 2015. Collection method: clinical testing. Allele origin: germline. Affected: no. Not counted in ClinVar's aggregate classification.

Ambry Genetics
Classification: Likely benign for Hereditary cancer-predisposing syndrome. Last evaluated: 2016-06-17. Review status: criteria provided, single submitter. Criteria: Ambry Variant Classification Scheme 2023. Collection method: clinical testing. Allele origin: germline. Not counted in ClinVar's aggregate classification.

GeneDx
Classification: Benign. Last evaluated: 2015-09-16. Review status: criteria provided, single submitter. Criteria: GeneDx Variant Classification Process June 2021. Collection method: clinical testing. Allele origin: germline. Affected: yes. Not counted in ClinVar's aggregate classification.